The following is an entry in ClinVar:

NM_001458.5(FLNC):c.5020G>A (p.Gly1674Ser)

Gene: FLNC (filamin C; plus strand). Cytogenetic location: 7q32.1.
Variant type: single nucleotide variant.
Coding change: c.5020G>A on transcript NM_001458.5 (MANE Select); coding-DNA position 5020, G replaced by A.
Protein change: p.Gly1674Ser; replaces glycine 1674 with serine.
Molecular consequence: missense variant.
Genome position (GRCh38, 1-based): chr7:128,849,399, G>A. VCF-style: chr7-128849399-G-A. GRCh37 (hg19) VCF-style: chr7-128489453-G-A.
Other names: c.5020G>A, p.Gly1674Ser (NM_001127487.2); short protein forms G1674S.
Identifiers: ClinVar variation 472084 (VCV000472084.30), dbSNP rs374124083, ClinGen allele CA4475545.

ClinVar aggregate classification (germline): Conflicting classifications of pathogenicity. Review status: criteria provided, conflicting classifications (1 of 4 stars). 11 submissions from 11 submitters: Uncertain significance (2); Likely benign (6). 3 of the submissions do not count toward it. Last evaluated 2026-01-20.

Conditions:
Myofibrillar myopathy 5. Also called: Filaminopathy (type); FILAMINOPATHY, AUTOSOMAL DOMINANT. Identifiers: Orphanet 171445, MedGen C1836050, MONDO:0012289, OMIM 609524.
Hypertrophic cardiomyopathy 26. Also called: Cardiomyopathy, familial hypertrophic, 26. Identifiers: Orphanet 75249, MedGen C4310749, MONDO:0014883, OMIM 617047.
Distal myopathy with posterior leg and anterior hand involvement. Also called: WILLIAMS DISTAL MYOPATHY. Identifiers: Orphanet 63273, MedGen C3279722, MONDO:0013550, OMIM 614065.
FLNC-related disorder. Also called: FLNC-related condition; FLNC-related disorders.
Cardiovascular phenotype. Identifiers: MedGen CN230736.

Allele frequency attached by ClinVar (database versions not stated): ESP Exome Variant Server 0.00008; gnomAD exomes 0.00008 and 0.00015; ExAC 0.00010; TOPMed 0.00010; gnomAD 0.00013 and 0.00014.
gnomAD v4.1: 141 of 1,614,060 alleles (0.0087%); highest among the groups gnomAD compares: Non-Finnish European, 0.002%; no homozygotes.

Submissions (11):

Labcorp Genetics (formerly Invitae), Labcorp
Classification: Likely benign for Distal myopathy with posterior leg and anterior hand involvement; Myofibrillar myopathy 5; Hypertrophic cardiomyopathy 26. Last evaluated: 2026-01-20. Review status: criteria provided, single submitter. Criteria: Invitae Variant Classification Sherloc (09022015). Collection method: clinical testing. Allele origin: germline.

Women's Health and Genetics/Laboratory Corporation of America, LabCorp
Classification: Likely benign. Last evaluated: 2025-10-21. Review status: criteria provided, single submitter. Criteria: LabCorp Variant Classification Summary - May 2015. Collection method: clinical testing. Allele origin: germline.
Comment: Variant summary: FLNC c.5020G>A (p.Gly1674Ser) results in a non-conservative amino acid change in the encoded protein sequence. Algorithms developed to predict the effect of missense changes on protein structure and function all suggest that this variant is likely to be disruptive. The variant allele was found at a frequency of 0.00015 in 249438 control chromosomes. The observed variant frequency exceeds the estimated maximal expected allele frequency for disease-causing variants in FLNC. c.5020G>A has been observed in the presumed compound heterozygous state in at least 1 individual(s) affected with Hypertrophic Cardiomyopathy (Chumakova_2023) without strong evidence for causality. These report(s) do not provide unequivocal conclusions about association of the variant with FLNC-related conditions. At least one publication reports experimental evidence evaluating an impact on protein function. These results showed no damaging effect of this variant in vitro (Agarwal_2021). The following publications have been ascertained in the context of this evaluation (PMID: 38002985, 39418514, 34405687, 32112656). ClinVar contains an entry for this variant (Variation ID: 472084). Based on the evidence outlined above, the variant was classified as likely benign.

Dasa
Classification: Uncertain significance. Last evaluated: 2025-07-11. Review status: criteria provided, single submitter. Criteria: DASA Assertion Criteria. Collection method: clinical testing. Allele origin: germline.
Comment: NM_001458.5(FLNC):c.5020G>A (p.Gly1674Ser) is a missense variant that results in the substitution of glycine with serine. This variant is rare in population databases. Computational prediction algorithms are consistent with a deleterious effect. The currently available literature and clinical evidence are not sufficient to establish a definitive association between this variant and the reported condition. Therefore, this variant is classified as a variant of uncertain significance.

Molecular Diagnostic Laboratory for Inherited Cardiovascular Disease, Montreal Heart Institute
Classification: Likely benign. Last evaluated: 2025-04-09. Review status: criteria provided, single submitter. Criteria: ACMG Guidelines, 2015. Collection method: clinical testing. Allele origin: germline. Affected: no.

Blueprint Genetics
Classification: Likely benign. Last evaluated: 2024-11-07. Review status: criteria provided, single submitter. Criteria: ACMG Guidelines, 2015. Collection method: clinical testing. Allele origin: germline.

GeneDx
Classification: Likely benign. Last evaluated: 2021-06-14. Review status: criteria provided, single submitter. Criteria: GeneDx Variant Classification Process June 2021. Collection method: clinical testing. Allele origin: germline. Affected: yes.
Comment: Has not been previously published as pathogenic or benign to our knowledge; In silico analysis supports that this missense variant has a deleterious effect on protein structure/function

Ambry Genetics
Classification: Likely benign for Cardiovascular phenotype. Last evaluated: 2019-04-16. Review status: criteria provided, single submitter. Criteria: Ambry Variant Classification Scheme 2023. Collection method: clinical testing. Allele origin: germline.

Fulgent Genetics
Classification: Uncertain significance for Myofibrillar myopathy 5; Distal myopathy with posterior leg and anterior hand involvement; Hypertrophic cardiomyopathy 26. Last evaluated: 2018-10-31. Review status: criteria provided, single submitter. Criteria: ACMG Guidelines, 2015. Collection method: clinical testing. Allele origin: unknown.

PreventionGenetics, part of Exact Sciences
Classification: Likely benign for FLNC-related condition. Last evaluated: 2020-11-02. Review status: no assertion criteria provided. Collection method: clinical testing. Allele origin: germline. Not counted in ClinVar's aggregate classification.
Comment: This variant is classified as likely benign based on ACMG/AMP sequence variant interpretation guidelines (Richards et al. 2015 PMID: 25741868, with internal and published modifications).

Clinical Genetics DNA and cytogenetics Diagnostics Lab, Erasmus MC, Erasmus Medical Center
Classification: Uncertain significance. Review status: no assertion criteria provided. Collection method: clinical testing. Allele origin: germline. Affected: yes. Study: VKGL Data-share Consensus. Not counted in ClinVar's aggregate classification.

Joint Genome Diagnostic Labs from Nijmegen and Maastricht, Radboudumc and MUMC+
Classification: Uncertain significance. Review status: no assertion criteria provided. Collection method: clinical testing. Allele origin: germline. Affected: yes. Study: VKGL Data-share Consensus. Not counted in ClinVar's aggregate classification.

Literature cited by the submitters: PubMed 32112656 (cited by Women's Health and Genetics/Laboratory Corporation of America, LabCorp); PubMed 38002985 (cited by Women's Health and Genetics/Laboratory Corporation of America, LabCorp); PubMed 39418514 (cited by Women's Health and Genetics/Laboratory Corporation of America, LabCorp); PubMed 34405687 (cited by Women's Health and Genetics/Laboratory Corporation of America, LabCorp).